The following is an entry in ClinVar:

NM_002911.4(UPF1):c.1689C>G (p.Asn563Lys)

Gene: UPF1 (UPF1 RNA helicase and ATPase; plus strand). Cytogenetic location: 19p13.11.
Variant type: single nucleotide variant.
Coding change: c.1689C>G on transcript NM_002911.4 (MANE Select); coding-DNA position 1689, C replaced by G.
Protein change: p.Asn563Lys; replaces asparagine 563 with lysine.
Molecular consequence: missense variant.
Genome position (GRCh38, 1-based): chr19:18,856,069, C>G. VCF-style: chr19-18856069-C-G. GRCh37 (hg19) VCF-style: chr19-18966878-C-G.
Other names: c.1722C>G, p.Asn574Lys (NM_001297549.2); short protein forms N563K, N574K.
Identifiers: ClinVar variation 5009080 (VCV005009080.1).
Genomic context (GRCh38, chr19:18,856,069, plus strand): 5'-CCTCTGCGCCAAGAGCCGTGAGGCCATCGACTCCCCGGTGTCTTTTCTGGCCCTGCACAA[C>G]CAGATCAGGAACATGGACAGGTGTGTGTCGAGTCCATCCCTCCCAGTTGGTCCCTGAGCT-3'
Protein context (NP_002902.2, residues 553-573): DSPVSFLALH[Asn563Lys]QIRNMDSMPE

ClinVar aggregate classification (germline): Uncertain significance (1 of 4 stars; one submission).

Submission:

GeneDx
Classification: Uncertain significance. Last evaluated: 2026-03-13. Review status: criteria provided, single submitter. Criteria: GeneDx Variant Classification Process June 2021. Collection method: clinical testing. Allele origin: germline.
Comment: Not observed at significant frequency in large population cohorts (gnomAD); In silico analysis supports that this missense variant has a deleterious effect on protein structure/function; Has not been previously published as pathogenic or benign to our knowledge